The following is an entry in ClinVar:

NM_000435.3(NOTCH3):c.1957C>T (p.Leu653Phe)

Gene: NOTCH3 (notch receptor 3; minus strand). Cytogenetic location: 19p13.12.
Variant type: single nucleotide variant.
Coding change: c.1957C>T on transcript NM_000435.3 (MANE Select); coding-DNA position 1957, C replaced by T.
Protein change: p.Leu653Phe; replaces leucine 653 with phenylalanine.
Molecular consequence: missense variant.
Genome position (GRCh38, 1-based): chr19:15,185,674, G>A on the plus strand (C>T on the coding strand, the complement: NOTCH3 is on the minus strand). VCF-style: chr19-15185674-G-A. GRCh37 (hg19) VCF-style: chr19-15296485-G-A.
Other names: short protein forms L653F.
Identifiers: ClinVar variation 2051885 (VCV002051885.4), dbSNP rs1336688514, ClinGen allele CA404523630.

ClinVar aggregate classification (germline): Uncertain significance (1 of 4 stars; one submission).

Allele frequency attached by ClinVar (database versions not stated): gnomAD exomes below 0.00001.
gnomAD v4.1: 2 of 1,613,140 alleles (0.00012%); highest among the groups gnomAD compares: Non-Finnish European, 0.00017%; no homozygotes.

Submission:

Labcorp Genetics (formerly Invitae), Labcorp
Classification: Uncertain significance. Last evaluated: 2022-03-05. Review status: criteria provided, single submitter. Criteria: Invitae Variant Classification Sherloc (09022015). Collection method: clinical testing. Allele origin: germline.
Comment: Advanced modeling of protein sequence and biophysical properties (such as structural, functional, and spatial information, amino acid conservation, physicochemical variation, residue mobility, and thermodynamic stability) performed at Invitae indicates that this missense variant is not expected to disrupt NOTCH3 protein function. This sequence change replaces leucine, which is neutral and non-polar, with phenylalanine, which is neutral and non-polar, at codon 653 of the NOTCH3 protein (p.Leu653Phe). This variant is not present in population databases (gnomAD no frequency). This variant has not been reported in the literature in individuals affected with NOTCH3-related conditions. In summary, the available evidence is currently insufficient to determine the role of this variant in disease. Therefore, it has been classified as a Variant of Uncertain Significance.